The following is an entry in ClinVar:

NM_001400225.1(MGA):c.248G>T (p.Ser83Ile)

Gene: MGA (MAX dimerization protein MGA; plus strand). Cytogenetic location: 15q15.1.
Variant type: single nucleotide variant.
Coding change: c.248G>T on transcript NM_001400225.1 (MANE Select); coding-DNA position 248, G replaced by T.
Protein change: p.Ser83Ile; replaces serine 83 with isoleucine.
Molecular consequence: missense variant.
Genome position (GRCh38, 1-based): chr15:41,669,142, G>T. VCF-style: chr15-41669142-G-T. GRCh37 (hg19) VCF-style: chr15-41961340-G-T.
Other names: c.248G>T, p.Ser83Ile (NM_001080541.3, NM_001164273.2, NM_001400242.1 and 5 more transcripts); short protein forms S83I.
Identifiers: ClinVar variation 3767708 (VCV003767708.2).
Genomic context (GRCh38, chr15:41,669,142, plus strand): 5'-AGATTTGCCTTCCAGCTGATTGTACTGTGGGTGGAATCACTGTTACCCTCGATAACAATA[G>T]TATGTGGAATGAGTTCTATCATCGAAGCACAGAGATGATTCTGACCAAGCAAGGAAGACG-3'
Protein context (NP_001387154.1, residues 73-93): GGITVTLDNN[Ser83Ile]MWNEFYHRST

ClinVar aggregate classification (germline): Uncertain significance (1 of 4 stars; one submission).

Submission:

GeneDx
Classification: Uncertain significance. Last evaluated: 2026-08-31. Review status: criteria provided, single submitter. Criteria: GeneDx Variant Classification Process June 2021. Collection method: clinical testing. Allele origin: germline.
Comment: Not observed at significant frequency in large population cohorts (gnomAD); In silico analysis supports that this missense variant has a deleterious effect on protein structure/function; Has not been previously published as pathogenic or benign to our knowledge